The following is an entry in ClinVar:

ClinVar aggregate classification (germline): Conflicting classifications of pathogenicity. Review status: criteria provided, conflicting classifications (1 of 4 stars). 3 submissions from 3 submitters: Uncertain significance (2); Likely benign (1). Last evaluated 2025-10-01.

Conditions:
Familial hypercholesterolemia. Also called: Familial hypercholesterolemias; Familial hypercholesterolaemia. Identifiers: MedGen C0020445, MONDO:0005439.
Hypercholesterolemia, autosomal dominant, 3 (FHCL3). Also called: PCSK9-Related Familial Hypercholesterolemia, Autosomal Dominant; Familial hypercholesterolemia 3; Familial Hypercholesterolemia, Autosomal Dominant, 3. Identifiers: MedGen C1863551, MONDO:0011369, OMIM 603776.

Submissions (3):

Labcorp Genetics (formerly Invitae), Labcorp
Classification: Uncertain significance for Hypercholesterolemia, autosomal dominant, 3. Last evaluated: 2025-10-01. Review status: criteria provided, single submitter. Criteria: Invitae Variant Classification Sherloc (09022015). Collection method: clinical testing. Allele origin: germline.
Comment: This sequence change creates a premature translational stop signal (p.Cys378*) in the PCSK9 gene. It is expected to result in an absent or disrupted protein product. However, the current clinical and genetic evidence is not sufficient to establish whether loss-of-function variants in PCSK9 cause disease. This variant is present in population databases (no rsID available, gnomAD 0.001%). This variant has not been reported in the literature in individuals affected with PCSK9-related conditions. ClinVar contains an entry for this variant (Variation ID: 496556). In summary, the available evidence is currently insufficient to determine the role of this variant in disease. Therefore, it has been classified as a Variant of Uncertain Significance.

Color Diagnostics, LLC DBA Color Health
Classification: Likely benign for Familial hypercholesterolemias. Last evaluated: 2018-07-15. Review status: criteria provided, single submitter. Criteria: ACMG Guidelines, 2015. Collection method: clinical testing. Allele origin: germline.

Women's Health and Genetics/Laboratory Corporation of America, LabCorp
Classification: Uncertain significance. Last evaluated: 2016-04-28. Review status: criteria provided, single submitter. Criteria: LabCorp Variant Classification Summary - May 2015. Collection method: clinical testing. Allele origin: germline.
Comment: Variant summary: The c.1133_1134delinsAA results in a premature stop codon at amino acid 378, which is predicted to cause a truncated or absent PCSK9 protein. The individual variants are present in the large and broad ExAC cohort in 2/~116,000 control alleles from the general population, which were shown to be in cis in via the NGS reads. The variant of interest has not, to our knowledge, been reported in affected individuals via publications and/or reputable databases/clinical laboratories; nor evaluated for functional impact by in vivo/vitro studies. Gain of function mutations in PCSK9 is the commonly know mechanism for disease, and in fact loss-of-function/nonsense mutations may results in lower LDL levels, and thus may have a protective effect (Peterson_2008). Therefore, due to the absence of clinical information and the lack of functional studies, the variant was classified as a variant of uncertain significance (VUS) until additional information becomes available.

NM_174936.4(PCSK9):c.1133_1134delinsAA (p.Cys378Ter)

Gene: PCSK9 (proprotein convertase subtilisin/kexin type 9; plus strand). Cytogenetic location: 1p32.3.
Variant type: Indel.
Coding change: c.1133_1134delinsAA on transcript NM_174936.4 (MANE Select); coding-DNA positions 1133 to 1134, GC replaced by AA.
Protein change: p.Cys378Ter; replaces cysteine 378 with a stop codon.
Molecular consequence: nonsense.
Genome position (GRCh38, 1-based): chr1:55,057,467-55,057,468, GC replaced by AA. VCF-style: chr1-55057467-GC-AA. GRCh37 (hg19) VCF-style: chr1-55523140-GC-AA.
Other names: c.1256_1257delGCinsAA, p.Cys419Ter (NM_001407240.1); c.1133_1134delGCinsAA, p.Cys378Ter (NM_001407241.1, NM_001407244.1, NM_001407247.1); c.1136_1137delGCinsAA, p.Cys379Ter (NM_001407242.1); c.1076_1077delGCinsAA, p.Cys359Ter (NM_001407243.1); c.941_942delGCinsAA, p.Cys314Ter (NM_001407245.1); c.758_759delGCinsAA, p.Cys253Ter (NM_001407246.1); short protein forms C378*, C359*, C379*, C253*, C314*, C419*.
Identifiers: ClinVar variation 496556 (VCV000496556.5), dbSNP rs1553137557, ClinGen allele CA658683161.